The following is an entry in ClinVar:

ClinVar aggregate classification (germline): Likely benign. Review status: criteria provided, multiple submitters, no conflicts (2 of 4 stars). 3 submissions from 3 submitters: Likely benign (2). 1 of the submissions does not count toward it. Last evaluated 2026-01-06.

Conditions:
Charcot-Marie-Tooth disease axonal type 2V. Also called: CHARCOT-MARIE-TOOTH NEUROPATHY, TYPE 2V; CHARCOT-MARIE-TOOTH DISEASE, AXONAL, AUTOSOMAL DOMINANT, TYPE 2V. Identifiers: Orphanet 447964, MedGen C5569050, MONDO:0014665, OMIM 616491.
Mucopolysaccharidosis, MPS-III-B (MPS3B). Also called: MPS III B; Mucopolysaccharidosis type IIIB (Sanfilippo B); N-ACETYL-ALPHA-D-GLUCOSAMINIDASE DEFICIENCY; NAGLU DEFICIENCY; SANFILIPPO SYNDROME B; MUCOPOLYSACCHARIDOSIS, TYPE IIIB. Identifiers: Orphanet 79270, MedGen C0086648, MONDO:0009656, OMIM 252920.
NAGLU-related disorder. Also called: NAGLU-related condition.

Allele frequency attached by ClinVar (database versions not stated): gnomAD exomes 0.00008 and 0.00019; TOPMed 0.00006; gnomAD 0.00005; ExAC 0.00008; ESP Exome Variant Server 0.00015.
gnomAD v4.1: 282 of 1,600,290 alleles (0.018%); highest among the groups gnomAD compares: Non-Finnish European, 0.023%; no homozygotes.

Submissions (3):

Labcorp Genetics (formerly Invitae), Labcorp
Classification: Likely benign for Charcot-Marie-Tooth disease axonal type 2V; Mucopolysaccharidosis, MPS-III-B. Last evaluated: 2026-01-06. Review status: criteria provided, single submitter. Criteria: Invitae Variant Classification Sherloc (09022015). Collection method: clinical testing. Allele origin: germline.

Blueprint Genetics
Classification: Likely benign. Last evaluated: 2024-11-12. Review status: criteria provided, single submitter. Criteria: ACMG Guidelines, 2015. Collection method: clinical testing. Allele origin: germline.

PreventionGenetics, part of Exact Sciences
Classification: Likely benign for NAGLU-related condition. Last evaluated: 2019-05-23. Review status: no assertion criteria provided. Collection method: clinical testing. Allele origin: germline. Not counted in ClinVar's aggregate classification.
Comment: This variant is classified as likely benign based on ACMG/AMP sequence variant interpretation guidelines (Richards et al. 2015 PMID: 25741868, with internal and published modifications).

NM_000263.4(NAGLU):c.1839C>T (p.Asp613=)

Gene: NAGLU (N-acetyl-alpha-glucosaminidase; plus strand). Cytogenetic location: 17q21.2.
Variant type: single nucleotide variant.
Coding change: c.1839C>T on transcript NM_000263.4 (MANE Select); coding-DNA position 1839, C replaced by T.
Protein change: p.Asp613=; no amino-acid change (aspartic acid 613 retained).
Molecular consequence: synonymous variant.
Genome position (GRCh38, 1-based): chr17:42,543,845, C>T. VCF-style: chr17-42543845-C-T. GRCh37 (hg19) VCF-style: chr17-40695863-C-T.
Other names: c.1839C>T (NM_000263.3).
Identifiers: ClinVar variation 1102046 (VCV001102046.12), dbSNP rs143580194, ClinGen allele CA8577105.